The following is an entry in ClinVar:

ClinVar aggregate classification (germline): Uncertain significance (1 of 4 stars; one submission).

gnomAD v4.1: 1 of 1,397,532 alleles (0.000072%); highest among the groups gnomAD compares: Non-Finnish European, 0.000093%; no homozygotes.

Submission:

Ambry Genetics
Classification: Uncertain significance. Last evaluated: 2021-08-23. Review status: criteria provided, single submitter. Criteria: Ambry Variant Classification Scheme 2023. Collection method: clinical testing. Allele origin: germline.
Comment: The p.A137T variant (also known as c.409G>A), located in coding exon 1 of the EGLN1 gene, results from a G to A substitution at nucleotide position 409. The alanine at codon 137 is replaced by threonine, an amino acid with similar properties. This amino acid position is conserved. In addition, this alteration is predicted to be tolerated by in silico analysis. Since supporting evidence is limited at this time, the clinical significance of this alteration remains unclear.

NM_022051.3(EGLN1):c.409G>A (p.Ala137Thr)

Gene: EGLN1 (egl-9 family hypoxia inducible factor 1; minus strand). Cytogenetic location: 1q42.2.
Variant type: single nucleotide variant.
Coding change: c.409G>A on transcript NM_022051.3 (MANE Select); coding-DNA position 409, G replaced by A.
Protein change: p.Ala137Thr; replaces alanine 137 with threonine.
Molecular consequence: missense variant.
Genome position (GRCh38, 1-based): chr1:231,421,480, C>T on the plus strand (G>A on the coding strand, the complement: EGLN1 is on the minus strand). VCF-style: chr1-231421480-C-T. GRCh37 (hg19) VCF-style: chr1-231557226-C-T.
Other names: c.409G>A, p.Ala137Thr (NM_001377260.1, NM_001377261.1); short protein forms A137T.
Identifiers: ClinVar variation 1737812 (VCV001737812.2), dbSNP rs2527360230, ClinGen allele CA345237189.